The following is an entry in ClinVar:

ClinVar aggregate classification (germline): Likely benign. Review status: criteria provided, multiple submitters, no conflicts (2 of 4 stars). 2 submissions from 2 submitters: Likely benign (2). Last evaluated 2016-06-09.

Conditions:
Long QT syndrome (LQTS). Identifiers: MedGen C0023976, MeSH D008133, MONDO:0002442. Disease mechanism: loss of function. Inheritance: Various modes of inheritance.

Allele frequency attached by ClinVar (database versions not stated): gnomAD exomes below 0.00001; ExAC 0.00001.
gnomAD v4.1: 1 of 1,613,646 alleles (0.000062%); highest among the groups gnomAD compares: South Asian, 0.0011%; no homozygotes.

Submissions (2):

GeneDx
Classification: Likely benign. Last evaluated: 2016-06-09. Review status: criteria provided, single submitter. Criteria: GeneDx Variant Classification (06012015). Collection method: clinical testing. Allele origin: germline. Affected: yes.
Comment: This variant is considered likely benign or benign based on one or more of the following criteria: it is a conservative change, it occurs at a poorly conserved position in the protein, it is predicted to be benign by multiple in silico algorithms, and/or has population frequency not consistent with disease.

Labcorp Genetics (formerly Invitae), Labcorp
Classification: Likely benign for Long QT syndrome. Last evaluated: 2016-03-07. Review status: criteria provided, single submitter. Criteria: Invitae Variant Classification Sherloc (09022015). Collection method: clinical testing. Allele origin: germline.

NM_033337.3(CAV3):c.54C>T (p.His18=)

Gene: CAV3 (caveolin 3; plus strand). Cytogenetic location: 3p25.3.
Variant type: single nucleotide variant.
Coding change: c.54C>T on transcript NM_033337.3 (MANE Select); coding-DNA position 54, C replaced by T.
Protein change: p.His18=; no amino-acid change (histidine 18 retained).
Molecular consequence: synonymous variant.
Genome position (GRCh38, 1-based): chr3:8,733,930, C>T. VCF-style: chr3-8733930-C-T. GRCh37 (hg19) VCF-style: chr3-8775616-C-T.
Other names: c.54C>T, p.His18= (NM_001234.5).
Identifiers: ClinVar variation 241748 (VCV000241748.8), dbSNP rs775054657, ClinGen allele CA2236280.